The following is an entry in ClinVar:

ClinVar aggregate classification (germline): Uncertain significance. Review status: criteria provided, multiple submitters, no conflicts (2 of 4 stars). 2 submissions from 2 submitters: Uncertain significance (2). Last evaluated 2024-07-01.

Conditions:
Cardiovascular phenotype. Identifiers: MedGen CN230736.
Dilated cardiomyopathy 1W (CMD1W). Identifiers: Orphanet 154, MedGen C1969639, MONDO:0012667, OMIM 611407.

gnomAD v4.1: 1 of 1,548,392 alleles (0.000065%); highest among the groups gnomAD compares: Non-Finnish European, 0.000087%; no homozygotes.

Submissions (2):

Labcorp Genetics (formerly Invitae), Labcorp
Classification: Uncertain significance for Dilated cardiomyopathy 1W. Last evaluated: 2024-07-01. Review status: criteria provided, single submitter. Criteria: Invitae Variant Classification Sherloc (09022015). Collection method: clinical testing. Allele origin: germline.
Comment: This sequence change creates a premature translational stop signal (p.Gln48*) in the VCL gene. It is expected to result in an absent or disrupted protein product. However, the current clinical and genetic evidence is not sufficient to establish whether loss-of-function variants in VCL cause disease. This variant is not present in population databases (gnomAD no frequency). This premature translational stop signal has been observed in individual(s) with premature ventricular contractions (PMID: 34350506). ClinVar contains an entry for this variant (Variation ID: 1772464). In summary, the available evidence is currently insufficient to determine the role of this variant in disease. Therefore, it has been classified as a Variant of Uncertain Significance.

Ambry Genetics
Classification: Uncertain significance for Cardiovascular phenotype. Last evaluated: 2020-11-24. Review status: criteria provided, single submitter. Criteria: Ambry Variant Classification Scheme 2023. Collection method: clinical testing. Allele origin: germline.
Comment: The p.Q48* variant (also known as c.142C>T), located in coding exon 1 of the VCL gene, results from a C to T substitution at nucleotide position 142. This changes the amino acid from a glutamine to a stop codon within coding exon 1. This alteration is expected to result in premature protein truncation or nonsense-mediated mRNA decay. However, loss of function of VCL has not been clearly established as a mechanism of disease. Since supporting evidence is limited at this time, the clinical significance of this alteration remains unclear.

Literature cited by the submitters: PubMed 34350506 (cited by Labcorp Genetics (formerly Invitae), Labcorp).

NM_014000.3(VCL):c.142C>T (p.Gln48Ter)

Gene: VCL (vinculin; plus strand). Cytogenetic location: 10q22.2.
Variant type: single nucleotide variant.
Coding change: c.142C>T on transcript NM_014000.3 (MANE Select); coding-DNA position 142, C replaced by T.
Protein change: p.Gln48Ter; replaces glutamine 48 with a stop codon.
Molecular consequence: nonsense.
Genome position (GRCh38, 1-based): chr10:73,998,349, C>T. VCF-style: chr10-73998349-C-T. GRCh37 (hg19) VCF-style: chr10-75758107-C-T.
Other names: c.142C>T, p.Gln48Ter (NM_003373.4); short protein forms Q48*.
Identifiers: ClinVar variation 1772464 (VCV001772464.4), dbSNP rs1431682297, ClinGen allele CA377255415.